The following is an entry in ClinVar:

NM_001378687.1(ATP2C1):c.1348G>A (p.Ala450Thr)

Gene: ATP2C1 (ATPase secretory pathway Ca2+ transporting 1; plus strand). Cytogenetic location: 3q22.1.
Variant type: single nucleotide variant.
Coding change: c.1348G>A on transcript NM_001378687.1 (MANE Select); coding-DNA position 1348, G replaced by A.
Protein change: p.Ala450Thr; replaces alanine 450 with threonine.
Molecular consequence: missense variant.
Genome position (GRCh38, 1-based): chr3:130,969,331, G>A. VCF-style: chr3-130969331-G-A. GRCh37 (hg19) VCF-style: chr3-130688175-G-A.
Other names: c.1348G>A, p.Ala450Thr (NM_001001485.3, NM_001001486.2, NM_001001487.2 and 5 more transcripts); c.1450G>A, p.Ala484Thr (NM_001199180.2, NM_001199181.3, NM_001378511.1); c.1333G>A, p.Ala445Thr (NM_001199182.2); c.1300G>A, p.Ala434Thr (NM_001199183.2, NM_001199184.3, NM_001378514.1); short protein forms A450T, A445T, A484T, A434T.
Identifiers: ClinVar variation 343326 (VCV000343326.15), dbSNP rs41434650, ClinGen allele CA2615110.

ClinVar aggregate classification (germline): Benign. Review status: criteria provided, multiple submitters, no conflicts (2 of 4 stars). 3 submissions from 3 submitters: Benign (3). Last evaluated 2025-12-23.

Conditions:
Familial benign pemphigus (HHD). Identifiers: Orphanet 2841, MedGen C0085106, MONDO:0008218, OMIM 169600.

Allele frequency attached by ClinVar (database versions not stated): gnomAD exomes 0.00102 and 0.00252; ExAC 0.00325; gnomAD 0.00956 and 0.01025; ESP Exome Variant Server 0.00969; TOPMed 0.01085; 1000 Genomes Project 0.01178; 1000 Genomes Project 30x 0.01296.
gnomAD v4.1: 3,007 of 1,613,898 alleles (0.19%); highest among the groups gnomAD compares: African/African-American, 3.2%; 41 homozygotes.

Submissions (3):

Labcorp Genetics (formerly Invitae), Labcorp
Classification: Benign. Last evaluated: 2025-12-23. Review status: criteria provided, single submitter. Criteria: Invitae Variant Classification Sherloc (09022015). Collection method: clinical testing. Allele origin: germline.

Illumina Laboratory Services, Illumina
Classification: Benign for Familial benign pemphigus. Last evaluated: 2018-01-13. Review status: criteria provided, single submitter. Criteria: ICSL Variant Classification Criteria 13 December 2019. Collection method: clinical testing. Allele origin: germline.
Comment: This variant was observed in the ICSL laboratory as part of a predisposition screen in an ostensibly healthy population. It had not been previously curated by ICSL or reported in the Human Gene Mutation Database (HGMD: prior to June 1st, 2018), and was therefore a candidate for classification through an automated scoring system. Utilizing variant allele frequency, disease prevalence and penetrance estimates, and inheritance mode, an automated score was calculated to assess if this variant is too frequent to cause the disease. Based on the score and internal cut-off values, a variant classified as benign is not then subjected to further curation. The score for this variant resulted in a classification of benign for this disease.

Breakthrough Genomics
Classification: Benign. Review status: criteria provided, single submitter. Criteria: ACMG Guidelines, 2015. Collection method: not provided. Allele origin: germline. Inheritance: Autosomal dominant inheritance. Affected: yes.